The following is an entry in ClinVar:

NM_020297.4(ABCC9):c.743T>C (p.Ile248Thr)

Gene: ABCC9 (ATP binding cassette subfamily C member 9; minus strand). Cytogenetic location: 12p12.1.
Variant type: single nucleotide variant.
Coding change: c.743T>C on transcript NM_020297.4 (MANE Select); coding-DNA position 743, T replaced by C.
Protein change: p.Ile248Thr; replaces isoleucine 248 with threonine.
Molecular consequence: missense variant. On other transcripts: intron variant (1).
Genome position (GRCh38, 1-based): chr12:21,915,741, A>G on the plus strand (T>C on the coding strand, the complement: ABCC9 is on the minus strand). VCF-style: chr12-21915741-A-G. GRCh37 (hg19) VCF-style: chr12-22068675-A-G.
Other names: c.743T>C, p.Ile248Thr (NM_001377273.1, NM_005691.4); c.-48-2675T>C (NM_001377274.1); short protein forms I248T.
Identifiers: ClinVar variation 1758928 (VCV001758928.3), dbSNP rs760997956, ClinGen allele CA6481823.
Genomic context (GRCh38, chr12:21,915,741, plus strand): 5'-TATGCATCTTTCAGGCAAACATAATTTGTTACTGCTCTCATTGCTATTGGCAATTTTCCA[A>G]TTGCCTTCAGATCAATAGGCTTTTTGTGAGCAGATATAATAAGTGTGTTCATCCACCAGT-3'
Protein context (NP_064693.2, residues 238-258): AHKKPIDLKA[Ile248Thr]GKLPIAMRAV

ClinVar aggregate classification (germline): Uncertain significance. Review status: criteria provided, multiple submitters, no conflicts (2 of 4 stars). 2 submissions from 2 submitters: Uncertain significance (2). Last evaluated 2023-10-20.

Conditions:
Cardiovascular phenotype. Identifiers: MedGen CN230736.

Allele frequency attached by ClinVar (database versions not stated): gnomAD exomes 0.00001; ExAC 0.00002; TOPMed 0.00006; gnomAD 0.00010.
gnomAD v4.1: 26 of 1,612,638 alleles (0.0016%); highest among the groups gnomAD compares: Admixed American, 0.025%; no homozygotes.

Submissions (2):

Ambry Genetics
Classification: Uncertain significance for Cardiovascular phenotype. Last evaluated: 2023-10-20. Review status: criteria provided, single submitter. Criteria: Ambry Variant Classification Scheme 2023. Collection method: clinical testing. Allele origin: germline.
Comment: The p.I248T variant (also known as c.743T>C), located in coding exon 5 of the ABCC9 gene, results from a T to C substitution at nucleotide position 743. The isoleucine at codon 248 is replaced by threonine, an amino acid with similar properties. This amino acid position is highly conserved in available vertebrate species. In addition, this alteration is predicted to be deleterious by in silico analysis. Since supporting evidence is limited at this time, the clinical significance of this alteration remains unclear.

Blueprint Genetics
Classification: Uncertain significance. Last evaluated: 2022-03-21. Review status: criteria provided, single submitter. Criteria: ACMG Guidelines, 2015. Collection method: clinical testing. Allele origin: germline.